The following is an entry in ClinVar:

ClinVar aggregate classification (germline): Likely benign (1 of 4 stars; one submission).

gnomAD v4.1: 235 of 1,593,446 alleles (0.015%); highest among the groups gnomAD compares: African/African-American, 0.27%; no homozygotes.

Submission:

Mayo Clinic Laboratories, Mayo Clinic
Classification: Likely benign. Last evaluated: 2025-06-03. Review status: criteria provided, single submitter. Criteria: ACMG Guidelines, 2015. Collection method: clinical testing. Allele origin: germline. Observed: 3 variant alleles.
Comment: BP4, BP7

NM_003126.4(SPTA1):c.1351-27A>T

Gene: SPTA1 (spectrin alpha, erythrocytic 1; minus strand). Cytogenetic location: 1q23.1.
Variant type: single nucleotide variant.
Coding change: c.1351-27A>T on transcript NM_003126.4 (MANE Select); 27 bases into the intron before coding-DNA position 1351, A replaced by T.
Molecular consequence: intron variant.
Genome position (GRCh38, 1-based): chr1:158,672,223, T>A on the plus strand (A>T on the coding strand, the complement: SPTA1 is on the minus strand). VCF-style: chr1-158672223-T-A. GRCh37 (hg19) VCF-style: chr1-158642013-T-A.
Other names: p.?.
Identifiers: ClinVar variation 4683651 (VCV004683651.1).